The following is an entry in ClinVar:

NM_002529.4(NTRK1):c.649G>T (p.Val217Leu)

Gene: NTRK1 (neurotrophic receptor tyrosine kinase 1; plus strand). Cytogenetic location: 1q23.1.
Variant type: single nucleotide variant.
Coding change: c.649G>T on transcript NM_002529.4 (MANE Select); coding-DNA position 649, G replaced by T.
Protein change: p.Val217Leu; replaces valine 217 with leucine.
Molecular consequence: missense variant.
Genome position (GRCh38, 1-based): chr1:156,868,579, G>T. VCF-style: chr1-156868579-G-T. GRCh37 (hg19) VCF-style: chr1-156838371-G-T.
Other names: c.559G>T, p.Val187Leu (NM_001007792.1); c.649G>T, p.Val217Leu (NM_001012331.2); short protein forms V187L, V217L.
Identifiers: ClinVar variation 1495345 (VCV001495345.5), dbSNP rs1409151354, ClinGen allele CA342934423.
Genomic context (GRCh38, chr1:156,868,579, plus strand): 5'-AAGGTCCAGGTGCCCAATGCCTCGGTGGATGTGGGGGACGACGTGCTGCTGCGGTGCCAG[G>T]TGGAGGGGCGGGGCCTGGAGCAGGCCGGCTGGATCCTCACAGAGCTGGAGCAGTCAGCCA-3'
Protein context (NP_002520.2, residues 207-227): VGDDVLLRCQ[Val217Leu]EGRGLEQAGW

ClinVar aggregate classification (germline): Uncertain significance (1 of 4 stars; one submission).

Conditions:
Hereditary insensitivity to pain with anhidrosis (CIPA). Also called: HSAN Type IV; NTRK1 Congenital Insensitivity to Pain with Anhidrosis; NEUROPATHY, CONGENITAL SENSORY, WITH ANHIDROSIS; hereditary sensory and autonomic neuropathy type 4; INSENSITIVITY TO PAIN, CONGENITAL, WITH ANHIDROSIS; FAMILIAL DYSAUTONOMIA, TYPE II. Identifiers: Orphanet 642, MedGen C0020074, MONDO:0009746, OMIM 256800.

Allele frequency attached by ClinVar (database versions not stated): gnomAD exomes below 0.00001.

Submission:

Labcorp Genetics (formerly Invitae), Labcorp
Classification: Uncertain significance for Hereditary insensitivity to pain with anhidrosis. Last evaluated: 2021-08-20. Review status: criteria provided, single submitter. Criteria: Invitae Variant Classification Sherloc (09022015). Collection method: clinical testing. Allele origin: germline.
Comment: This sequence change replaces valine with leucine at codon 217 of the NTRK1 protein (p.Val217Leu). The valine residue is highly conserved and there is a small physicochemical difference between valine and leucine. This variant is not present in population databases (ExAC no frequency). This variant has not been reported in the literature in individuals affected with NTRK1-related conditions. Advanced modeling of protein sequence and biophysical properties (such as structural, functional, and spatial information, amino acid conservation, physicochemical variation, residue mobility, and thermodynamic stability) performed at Invitae indicates that this missense variant is not expected to disrupt NTRK1 protein function. In summary, the available evidence is currently insufficient to determine the role of this variant in disease. Therefore, it has been classified as a Variant of Uncertain Significance.